The following is an entry in ClinVar:

ClinVar aggregate classification (germline): Uncertain significance (1 of 4 stars; one submission).

Conditions:
Charcot-Marie-Tooth disease type 4. Also called: Charcot-Marie-Tooth disease, type IV; Charcot-Marie-Tooth, Type 4. Identifiers: Orphanet 64749, MedGen C4082197, MONDO:0018995.

Submission:

Labcorp Genetics (formerly Invitae), Labcorp
Classification: Uncertain significance for Charcot-Marie-Tooth disease type 4. Last evaluated: 2021-08-23. Review status: criteria provided, single submitter. Criteria: Invitae Variant Classification Sherloc (09022015). Collection method: clinical testing. Allele origin: germline.
Comment: This sequence change replaces threonine with isoleucine at codon 1065 of the SBF2 protein (p.Thr1065Ile). The threonine residue is moderately conserved and there is a moderate physicochemical difference between threonine and isoleucine. This variant is not present in population databases (ExAC no frequency). This variant has not been reported in the literature in individuals affected with SBF2-related conditions. Algorithms developed to predict the effect of missense changes on protein structure and function (SIFT, PolyPhen-2, Align-GVGD) all suggest that this variant is likely to be tolerated. In summary, the available evidence is currently insufficient to determine the role of this variant in disease. Therefore, it has been classified as a Variant of Uncertain Significance.

NM_030962.4(SBF2):c.3194C>T (p.Thr1065Ile)

Genes: SBF2 (SET binding factor 2; minus strand), LOC101928008 (uncharacterized LOC101928008; plus strand). Cytogenetic location: 11p15.4.
Variant type: single nucleotide variant.
Coding change: c.3194C>T on transcript NM_030962.4 (MANE Select); coding-DNA position 3194, C replaced by T.
Protein change: p.Thr1065Ile; replaces threonine 1065 with isoleucine.
Molecular consequence: missense variant.
Genome position (GRCh38, 1-based): chr11:9,842,687, G>A on the plus strand (C>T on the coding strand, the complement: SBF2 is on the minus strand). VCF-style: chr11-9842687-G-A. GRCh37 (hg19) VCF-style: chr11-9864234-G-A.
Other names: c.3194C>T, p.Thr1065Ile (NM_001386339.1); c.3065C>T, p.Thr1022Ile (NM_001386342.1); short protein forms T1065I, T1022I.
Identifiers: ClinVar variation 1514784 (VCV001514784.6), dbSNP rs2133961495, ClinGen allele CA379631014.